The following is an entry in ClinVar:

ClinVar aggregate classification (germline): Uncertain significance (1 of 4 stars; one submission).

gnomAD v4.1: 6 of 1,614,052 alleles (0.00037%); highest among the groups gnomAD compares: Admixed American, 0.0067%; no homozygotes.

Submission:

Dasa
Classification: Uncertain significance. Last evaluated: 2025-07-31. Review status: criteria provided, single submitter. Criteria: DASA Assertion Criteria. Collection method: clinical testing. Allele origin: germline.
Comment: NM_002693.3(POLG):c.1023+36C>T is an intronic variant. This variant is rare in population databases. The currently available literature and clinical evidence are not sufficient to establish a definitive association between this variant and the reported condition. Therefore, this variant is classified as a variant of uncertain significance.

NM_002693.3(POLG):c.1023+36C>T

Gene: POLG (DNA polymerase gamma, catalytic subunit; minus strand). Cytogenetic location: 15q26.1.
Variant type: single nucleotide variant.
Coding change: c.1023+36C>T on transcript NM_002693.3 (MANE Select); 36 bases into the intron after coding-DNA position 1023, C replaced by T.
Molecular consequence: intron variant.
Genome position (GRCh38, 1-based): chr15:89,328,907, G>A on the plus strand (C>T on the coding strand, the complement: POLG is on the minus strand). VCF-style: chr15-89328907-G-A. GRCh37 (hg19) VCF-style: chr15-89872138-G-A.
Other names: c.1023+36C>T (NM_001126131.2).
Identifiers: ClinVar variation 4883060 (VCV004883060.2).